The following is an entry in ClinVar:

NM_004974.4(KCNA2):c.329C>T (p.Ser110Phe)

Gene: KCNA2 (potassium voltage-gated channel subfamily A member 2; minus strand). Cytogenetic location: 1p13.3.
Variant type: single nucleotide variant.
Coding change: c.329C>T on transcript NM_004974.4 (MANE Select); coding-DNA position 329, C replaced by T.
Protein change: p.Ser110Phe; replaces serine 110 with phenylalanine.
Molecular consequence: missense variant.
Genome position (GRCh38, 1-based): chr1:110,604,454, G>A on the plus strand (C>T on the coding strand, the complement: KCNA2 is on the minus strand). VCF-style: chr1-110604454-G-A. GRCh37 (hg19) VCF-style: chr1-111147076-G-A.
Other names: c.329C>T, p.Ser110Phe (NM_001204269.2); short protein forms S110F.
Identifiers: ClinVar variation 1699501 (VCV001699501.6), dbSNP rs1649507829, ClinGen allele CA341605877.
Genomic context (GRCh38, chr1:110,604,454, plus strand): 5'-TCATCTTCCCGAAACATCTCCATCGCTTCTTCTCCCAGCTCATAAAACCGAATTTCTTCA[G>A]AGAATATATCTAAGGGCACATTCACAGGTCGCCTCAATCGGCCCCCTGACTGGTAGTAGT-3'
Protein context (NP_004965.1, residues 100-120): RPVNVPLDIF[Ser110Phe]EEIRFYELGE

ClinVar aggregate classification (germline): Uncertain significance. Review status: criteria provided, multiple submitters, no conflicts (2 of 4 stars). 2 submissions from 2 submitters: Uncertain significance (2). Last evaluated 2025-12-11.

Conditions:
Developmental and epileptic encephalopathy, 32 (DEE32). Also called: Epileptic encephalopathy, early infantile, 32. Identifiers: Orphanet 442835, MedGen C4225350, MONDO:0014607, OMIM 616366.

Allele frequency attached by ClinVar (database versions not stated): gnomAD exomes 0.00001.
gnomAD v4.1: 3 of 1,614,178 alleles (0.00019%); highest among the groups gnomAD compares: East Asian, 0.0067%; no homozygotes.

Submissions (2):

Victorian Clinical Genetics Services, Murdoch Childrens Research Institute
Classification: Uncertain significance for Developmental and epileptic encephalopathy, 32. Last evaluated: 2025-12-11. Review status: criteria provided, single submitter. Criteria: ACMG Guidelines, 2015. Collection method: clinical testing. Allele origin: germline. Affected: yes.
Comment: This variant is classified as VUS-3B. Evidence in support of pathogenic classification: Variant is present in gnomAD <0.001 for a dominant condition (v4: 3 heterozygote(s), 0 homozygote(s)). - Missense variant predicted to be damaging by in silico tool(s) or highly conserved with a major amino acid change. Additional information: Variant is predicted to result in a missense amino acid change from Ser to Phe; This variant is heterozygous; This gene is associated with autosomal dominant disease; Alternative amino acid change(s) at the same position are present in gnomAD (highest allele count: v4: 1 heterozygote(s), 0 homozygote(s)); Previous evidence of pathogenicity for this variant is inconclusive. This variant has been classified as VUS by a clinical laboratory in ClinVar; No published segregation evidence has been identified for this variant; No published functional evidence has been identified for this variant; No comparable missense variants have previous evidence for pathogenicity; Variant is located in the annotated BTB/POZ domain (DECIPHER). - Dominant negative, loss of function and gain of function are known mechanisms of disease in this gene and are all associated with developmental and epileptic encephalopathy 32 (MIM#616366). Some missense variants have been reported to have multiple mechanisms simultaneously (PMID: 33802230, PMID: 29050392); Variants in this gene are known to have variable expressivity. Intrafamilial variability has been reported (PMID: 33802230).

Labcorp Genetics (formerly Invitae), Labcorp
Classification: Uncertain significance for Developmental and epileptic encephalopathy, 32. Last evaluated: 2024-01-02. Review status: criteria provided, single submitter. Criteria: Invitae Variant Classification Sherloc (09022015). Collection method: clinical testing. Allele origin: germline.
Comment: This sequence change replaces serine, which is neutral and polar, with phenylalanine, which is neutral and non-polar, at codon 110 of the KCNA2 protein (p.Ser110Phe). This variant is not present in population databases (gnomAD no frequency). This variant has not been reported in the literature in individuals affected with KCNA2-related conditions. ClinVar contains an entry for this variant (Variation ID: 1699501). Advanced modeling of protein sequence and biophysical properties (such as structural, functional, and spatial information, amino acid conservation, physicochemical variation, residue mobility, and thermodynamic stability) performed at Invitae indicates that this missense variant is not expected to disrupt KCNA2 protein function with a negative predictive value of 80%. In summary, the available evidence is currently insufficient to determine the role of this variant in disease. Therefore, it has been classified as a Variant of Uncertain Significance.

Literature cited by the submitters: PubMed 33802230 (cited by Victorian Clinical Genetics Services, Murdoch Childrens Research Institute); PubMed 29050392 (cited by Victorian Clinical Genetics Services, Murdoch Childrens Research Institute).